The following is an entry in ClinVar:

ClinVar aggregate classification (germline): Uncertain significance (1 of 4 stars; one submission).

Conditions:
Charcot-Marie-Tooth disease type 4. Also called: Charcot-Marie-Tooth disease, type IV; Charcot-Marie-Tooth, Type 4. Identifiers: Orphanet 64749, MedGen C4082197, MONDO:0018995.

Allele frequency attached by ClinVar (database versions not stated): TOPMed below 0.00001; ExAC 0.00001; gnomAD 0.00001; gnomAD exomes 0.00001.
gnomAD v4.1: 5 of 1,613,792 alleles (0.00031%); highest among the groups gnomAD compares: Non-Finnish European, 0.00034%; no homozygotes.

Submission:

Labcorp Genetics (formerly Invitae), Labcorp
Classification: Uncertain significance for Charcot-Marie-Tooth disease type 4. Last evaluated: 2024-07-12. Review status: criteria provided, single submitter. Criteria: Invitae Variant Classification Sherloc (09022015). Collection method: clinical testing. Allele origin: germline.
Comment: This sequence change replaces valine, which is neutral and non-polar, with glycine, which is neutral and non-polar, at codon 782 of the PRX protein (p.Val782Gly). This variant is present in population databases (rs747153697, gnomAD 0.003%). This variant has not been reported in the literature in individuals affected with PRX-related conditions. ClinVar contains an entry for this variant (Variation ID: 1487202). Advanced modeling of protein sequence and biophysical properties (such as structural, functional, and spatial information, amino acid conservation, physicochemical variation, residue mobility, and thermodynamic stability) performed at Invitae indicates that this missense variant is not expected to disrupt PRX protein function with a negative predictive value of 80%. In summary, the available evidence is currently insufficient to determine the role of this variant in disease. Therefore, it has been classified as a Variant of Uncertain Significance.

NM_181882.3(PRX):c.2345T>G (p.Val782Gly)

Gene: PRX (periaxin; minus strand). Cytogenetic location: 19q13.2.
Variant type: single nucleotide variant.
Coding change: c.2345T>G on transcript NM_181882.3 (MANE Select); coding-DNA position 2345, T replaced by G.
Protein change: p.Val782Gly; replaces valine 782 with glycine.
Molecular consequence: missense variant. On other transcripts: 3 prime UTR variant (1).
Genome position (GRCh38, 1-based): chr19:40,396,007, A>C on the plus strand (T>G on the coding strand, the complement: PRX is on the minus strand). VCF-style: chr19-40396007-A-C. GRCh37 (hg19) VCF-style: chr19-40901914-A-C.
Other names: c.*2550T>G (NM_020956.2); short protein forms V782G.
Identifiers: ClinVar variation 1487202 (VCV001487202.5), dbSNP rs747153697, ClinGen allele CA9444069.
Genomic context (GRCh38, chr19:40,396,007, plus strand): 5'-GGCATCTTGAAGCCAAATTCCATCCCTTCTGCCTGTTCTGCCTTGGTGGCCTTTAGCTGC[A>C]CCTCCGGAGCCCTGGGCAGCTTCACCTCTGGTGCCTTCGGAAGATGCACGTCGGGAACCT-3'
Protein context (NP_870998.2, residues 772-792): PEVKLPRAPE[Val782Gly]QLKATKAEQA